The following is an entry in ClinVar:

NM_000038.6(APC):c.3488G>C (p.Ser1163Thr)

Gene: APC (APC regulator of Wnt signaling pathway; plus strand). Cytogenetic location: 5q22.2.
Variant type: single nucleotide variant.
Coding change: c.3488G>C on transcript NM_000038.6 (MANE Select); coding-DNA position 3488, G replaced by C.
Protein change: p.Ser1163Thr; replaces serine 1163 with threonine.
Molecular consequence: missense variant. On other transcripts: non-coding transcript variant (2).
Genome position (GRCh38, 1-based): chr5:112,839,082, G>C. VCF-style: chr5-112839082-G-C. GRCh37 (hg19) VCF-style: chr5-112174779-G-C.
Other names: c.3488G>C, p.Ser1163Thr (NM_001127510.3, NM_001354895.2, NM_001407450.1); c.3434G>C, p.Ser1145Thr (NM_001127511.3); c.3542G>C, p.Ser1181Thr (NM_001354896.2, NM_001407447.1, NM_001407448.1 and 1 more transcripts); c.3518G>C, p.Ser1173Thr (NM_001354897.2); c.3413G>C, p.Ser1138Thr (NM_001354898.2); c.3404G>C, p.Ser1135Thr (NM_001354899.2); c.3365G>C, p.Ser1122Thr (NM_001354900.2); c.3311G>C, p.Ser1104Thr (NM_001354901.2, NM_001407453.1); and 11 more; short protein forms S1003T, S1072T, S1104T, S1191T, S1037T, S1122T, S1135T, S1138T.
Identifiers: ClinVar variation 3635443 (VCV003635443.2).

ClinVar aggregate classification (germline): Uncertain significance (1 of 4 stars; one submission).

Conditions:
Familial adenomatous polyposis 1 (FAP1). Also called: FAMILIAL ADENOMATOUS POLYPOSIS 1, ATTENUATED; POLYPOSIS, ADENOMATOUS INTESTINAL. Identifiers: MedGen C2713442, MONDO:0021056, OMIM 175100. Disease mechanism: loss of function.

Submission:

Labcorp Genetics (formerly Invitae), Labcorp
Classification: Uncertain significance for Familial adenomatous polyposis 1. Last evaluated: 2024-08-14. Review status: criteria provided, single submitter. Criteria: Invitae Variant Classification Sherloc (09022015). Collection method: clinical testing. Allele origin: germline.
Comment: This sequence change replaces serine, which is neutral and polar, with threonine, which is neutral and polar, at codon 1163 of the APC protein (p.Ser1163Thr). This variant is not present in population databases (gnomAD no frequency). This variant has not been reported in the literature in individuals affected with APC-related conditions. Invitae Evidence Modeling of protein sequence and biophysical properties (such as structural, functional, and spatial information, amino acid conservation, physicochemical variation, residue mobility, and thermodynamic stability) indicates that this missense variant is not expected to disrupt APC protein function with a negative predictive value of 95%. In summary, the available evidence is currently insufficient to determine the role of this variant in disease. Therefore, it has been classified as a Variant of Uncertain Significance.